The following is an entry in ClinVar:

ClinVar aggregate classification (germline): Uncertain significance (1 of 4 stars; one submission).

Conditions:
Hypertrophic cardiomyopathy 19. Also called: Familial hypertrophic cardiomyopathy 19. Identifiers: MedGen CN077603, MONDO:0013476.

Submission:

Labcorp Genetics (formerly Invitae), Labcorp
Classification: Uncertain significance for Hypertrophic cardiomyopathy 19. Last evaluated: 2025-03-17. Review status: criteria provided, single submitter. Criteria: Invitae Variant Classification Sherloc (09022015). Collection method: clinical testing. Allele origin: germline.
Comment: This sequence change creates a premature translational stop signal (p.Lys102Asnfs*9) in the CALR3 gene. It is expected to result in an absent or disrupted protein product. However, the current clinical and genetic evidence is not sufficient to establish whether loss-of-function variants in CALR3 cause disease. This variant is not present in population databases (gnomAD no frequency). This variant has not been reported in the literature in individuals affected with CALR3-related conditions. Algorithms developed to predict the effect of sequence changes on RNA splicing suggest that this variant may disrupt the consensus splice site. In summary, the available evidence is currently insufficient to determine the role of this variant in disease. Therefore, it has been classified as a Variant of Uncertain Significance.

NM_145046.5(CALR3):c.306_307del (p.Lys102fs)

Gene: CALR3 (calreticulin 3; minus strand). Cytogenetic location: 19p13.11.
Variant type: Deletion.
Coding change: c.306_307del on transcript NM_145046.5 (MANE Select); coding-DNA positions 306 to 307, 2 bases deleted (GA; older notation c.306_307delGA).
Protein change: p.Lys102fs; shifts the reading frame from lysine 102.
Molecular consequence: frameshift variant.
Genome position (GRCh38, 1-based): chr19:16,490,457-16,490,458, TC deleted on the plus strand (GA on the coding strand, the reverse complement: CALR3 is on the minus strand); deleting any 2 consecutive bases within chr19:16,490,457-16,490,459 gives the same sequence; the c. name uses the placement nearest the transcript's 3' end. VCF-style (leftmost placement, unchanged base first): chr19-16490456-ATC-A. GRCh37 (hg19) VCF-style: chr19-16601267-ATC-A.
Other names: short protein forms K102fs.
Identifiers: ClinVar variation 4744100 (VCV004744100.1).
Genomic context (GRCh38, chr19:16,490,456, plus strand): 5'-TTCAGGTTCTTCTGGTCAATGTCTGCAGGAAAGACCTTAATGTAGCCCCCTCCACAGTCC[ATC>A]TTCTGCTCATGTTTTACTGTGTACTGAATAACCAGAGTTTTCCCTTTATTGCTGAACGGT-3'